The following is an entry in ClinVar:

NM_001385641.1(SAMD11):c.2356C>G (p.Pro786Ala)

Gene: SAMD11 (sterile alpha motif domain containing 11; plus strand). Cytogenetic location: 1p36.33.
Variant type: single nucleotide variant.
Coding change: c.2356C>G on transcript NM_001385641.1 (MANE Select); coding-DNA position 2356, C replaced by G.
Protein change: p.Pro786Ala; replaces proline 786 with alanine.
Molecular consequence: missense variant.
Genome position (GRCh38, 1-based): chr1:943,974, C>G. VCF-style: chr1-943974-C-G. GRCh37 (hg19) VCF-style: chr1-879354-C-G.
Other names: c.2359C>G, p.Pro787Ala (NM_001385640.1); c.1867C>G, p.Pro623Ala (NM_152486.4); short protein forms P623A, P786A, P787A.
Identifiers: ClinVar variation 951713 (VCV000951713.7), dbSNP rs146050035, ClinGen allele CA503356.

ClinVar aggregate classification (germline): Uncertain significance. Review status: criteria provided, multiple submitters, no conflicts (2 of 4 stars). 2 submissions from 2 submitters: Uncertain significance (2). Last evaluated 2022-05-16.

Allele frequency attached by ClinVar (database versions not stated): TOPMed 0.00002; ExAC 0.00003; ESP Exome Variant Server 0.00023.
gnomAD v4.1: 28 of 1,612,716 alleles (0.0017%); highest among the groups gnomAD compares: Non-Finnish European, 0.0023%; no homozygotes.

Submissions (2):

Ambry Genetics
Classification: Uncertain significance. Last evaluated: 2022-05-16. Review status: criteria provided, single submitter. Criteria: Ambry Variant Classification Scheme 2023. Collection method: clinical testing. Allele origin: germline.

Labcorp Genetics (formerly Invitae), Labcorp
Classification: Uncertain significance. Last evaluated: 2022-03-15. Review status: criteria provided, single submitter. Criteria: Invitae Variant Classification Sherloc (09022015). Collection method: clinical testing. Allele origin: germline.
Comment: This missense change has been observed in individual(s) with SAMD11-related conditions (Invitae). In summary, the available evidence is currently insufficient to determine the role of this variant in disease. Therefore, it has been classified as a Variant of Uncertain Significance. Algorithms developed to predict the effect of missense changes on protein structure and function are either unavailable or do not agree on the potential impact of this missense change (SIFT: "Tolerated"; PolyPhen-2: "Possibly Damaging"; Align-GVGD: "Class C0"). ClinVar contains an entry for this variant (Variation ID: 951713). This variant is present in population databases (rs146050035, gnomAD 0.004%). This sequence change replaces proline, which is neutral and non-polar, with alanine, which is neutral and non-polar, at codon 623 of the SAMD11 protein (p.Pro623Ala).